The following is an entry in ClinVar:

NM_007294.4(BRCA1):c.5295A>G (p.Glu1765=)

Gene: BRCA1 (BRCA1 DNA repair associated; minus strand). Cytogenetic location: 17q21.31.
Variant type: single nucleotide variant.
Coding change: c.5295A>G on transcript NM_007294.4 (MANE Select); coding-DNA position 5295, A replaced by G.
Protein change: p.Glu1765=; no amino-acid change (glutamic acid 1765 retained).
Molecular consequence: synonymous variant. On other transcripts: intron variant (2).
Genome position (GRCh38, 1-based): chr17:43,051,100, T>C on the plus strand (A>G on the coding strand, the complement: BRCA1 is on the minus strand). VCF-style: chr17-43051100-T-C. GRCh37 (hg19) VCF-style: chr17-41203117-T-C.
Other names: c.5082A>G, p.Glu1694= (NM_001407571.1, NM_001407894.1, NM_001407895.1 and 12 more transcripts); c.5361A>G, p.Glu1787= (NM_001407581.1, NM_001407582.1); c.5358A>G, p.Glu1786= (NM_001407583.1, NM_001407585.1, NM_001407587.1 and 1 more transcripts); c.5355A>G, p.Glu1785= (NM_001407590.1, NM_001407591.1); c.5295A>G, p.Glu1765= (NM_001407593.1, NM_001407594.1, NM_001407596.1 and 6 more transcripts); c.5292A>G, p.Glu1764= (NM_001407610.1, NM_001407611.1, NM_001407612.1 and 17 more transcripts); c.1866A>G, p.Glu622= (NM_001408423.1, NM_001408424.1, NM_001408421.1 and 1 more transcripts); c.1863A>G, p.Glu621= (NM_001408425.1, NM_001408426.1, NM_001408427.1 and 4 more transcripts); and 74 more.
Identifiers: ClinVar variation 865568 (VCV000865568.3), dbSNP rs2051208709, ClinGen allele CA500143594.

Conditions:
Breast-ovarian cancer, familial, susceptibility to, 1 (BROVCA1). Also called: BRCA1 Hereditary Breast and Ovarian Cancer; OVARIAN CANCER, SUSCEPTIBILITY TO. Identifiers: Orphanet 145, MedGen C2676676, MONDO:0011450, OMIM 604370. Disease mechanism: loss of function.

Submission:

Brotman Baty Institute, University of Washington
No classification provided (evidence only). Condition: Breast-ovarian cancer, familial 1. Review status: no classification provided. Collection method: in vitro. Allele origin: not applicable. Functional consequence: functionally_normal.
ClinVar note: "not provided" was previously submitted as the classification for the variant. However, the classification appeared to be based only on an observation of functional data so it was converted to no classification on 2025-07-30.